The following is an entry in ClinVar:

NM_000551.4(VHL):c.463+2T>C

Genes: VHL (von Hippel-Lindau tumor suppressor; plus strand), LOC107303340 (3p25 von Hippel-Lindau tumor suppressor, E3 ubiquitin protein ligase Alu-mediated recombination region; plus strand). Cytogenetic location: 3p25.3.
Variant type: single nucleotide variant.
Coding change: c.463+2T>C on transcript NM_000551.4 (MANE Select); the canonical splice donor site of the intron after coding-DNA position 463, T replaced by C.
Molecular consequence: splice donor variant. On other transcripts: intron variant (2).
Genome position (GRCh38, 1-based): chr3:10,146,638, T>C. VCF-style: chr3-10146638-T-C. GRCh37 (hg19) VCF-style: chr3-10188322-T-C.
Other names: c.*18-3149T>C (NM_001354723.2); c.341-3149T>C (NM_198156.3).
Identifiers: ClinVar variation 569414 (VCV000569414.15), dbSNP rs5030814, ClinGen allele CA16621936.

ClinVar aggregate classification (germline): Pathogenic/Likely pathogenic. Review status: criteria provided, multiple submitters, no conflicts (2 of 4 stars). 2 submissions from 2 submitters: Pathogenic (1); Likely pathogenic (1). Last evaluated 2026-03-03.

Conditions:
Chuvash polycythemia. Also called: POLYCYTHEMIA, VHL-DEPENDENT. Identifiers: Orphanet 238557, MedGen C1837915, MONDO:0009892, OMIM 263400.
Von Hippel-Lindau syndrome (VHLS). Also called: von Hippel–Lindau syndrome; Von Hippel-Lindau; VHL syndrome. Identifiers: Orphanet 892, MedGen C0019562, MONDO:0008667, OMIM 193300. Disease mechanism: loss of function.
Hereditary cancer-predisposing syndrome. Also called: Neoplastic Syndromes, Hereditary; Hereditary neoplastic syndrome; Tumor predisposition; Hereditary Cancer Syndrome. Identifiers: Orphanet 140162, MedGen C0027672, MeSH D009386, MONDO:0015356.

Submissions (4):

Ambry Genetics
Classification: Likely pathogenic for Hereditary cancer-predisposing syndrome. Last evaluated: 2026-03-03. Review status: criteria provided, single submitter. Criteria: Ambry Variant Classification Scheme 2023. Collection method: clinical testing. Allele origin: germline.
Comment: The c.463+2T>C intronic variant results from a T to C substitution two nucleotides after coding exon 2 in the VHL gene. This nucleotide position is highly conserved in available vertebrate species. In silico splice site analysis predicts that this alteration will weaken the native splice donor site and may result in the creation or strengthening of a novel splice donor site. RNA studies have demonstrated that this variant results in abnormal splicing in the set of samples tested (Ambry internal data). Based on the majority of available evidence to date, this variant is likely to be pathogenic.

Labcorp Genetics (formerly Invitae), Labcorp
Classification: Pathogenic for Von Hippel-Lindau syndrome; Chuvash polycythemia. Last evaluated: 2021-07-30. Review status: criteria provided, single submitter. Criteria: Invitae Variant Classification Sherloc (09022015). Collection method: clinical testing. Allele origin: germline.
Comment: For these reasons, this variant has been classified as Pathogenic. This donor splice site variant lies upstream of exon 3 sequence encoding the elongin C binding domain of VHL, which is required for protein stability and tumor suppressive activity (PMID: 9447969, 10900011, 14987375). Variants that disrupt this domain have been determined to be pathogenic (PMID: 9452032, 9829912, 17350623, 19602254, 25371412). This suggests that this region is critical for VHL protein function, and that other variants that disrupt this region may also be pathogenic. Nucleotide substitutions within the consensus splice site are a relatively common cause of aberrant splicing (PMID: 17576681, 9536098). Algorithms developed to predict the effect of sequence changes on RNA splicing suggest that this variant may disrupt the consensus splice site, but this prediction has not been confirmed by published transcriptional studies. This variant has been reported in an individual with a personal and family history of von Hippel-Lindau syndrome (PMID: 8707293). This variant is also known as 676+2C>T in the literature. ClinVar contains an entry for this variant (Variation ID: 569414). This variant is not present in population databases (ExAC no frequency). This sequence change affects a donor splice site in the last intron (intron 2) of the VHL gene. While this is not anticipated to result in nonsense mediated decay, it likely alters RNA splicing and results in a disrupted protein product.

Dr. Peter K. Rogan Lab, Western University
No classification provided (evidence only). Condition: Clear cell carcinoma of kidney. Review status: no classification provided. Collection method: in vitro. Allele origin: not applicable. Functional consequence: retained intron. Not counted in ClinVar's aggregate classification.

MutSpliceDB: a database of splice sites variants effects on splicing, NIH
No classification provided (evidence only). Review status: no classification provided. Collection method: in vitro. Allele origin: not applicable. Functional consequence: retained intron. Not counted in ClinVar's aggregate classification.

Literature cited by the submitters: PubMed 9447969 (cited by Labcorp Genetics (formerly Invitae), Labcorp); PubMed 10900011 (cited by Labcorp Genetics (formerly Invitae), Labcorp); PubMed 14987375 (cited by Labcorp Genetics (formerly Invitae), Labcorp); PubMed 9452032 (cited by Labcorp Genetics (formerly Invitae), Labcorp); PubMed 9829912 (cited by Labcorp Genetics (formerly Invitae), Labcorp); PubMed 17350623 (cited by Labcorp Genetics (formerly Invitae), Labcorp); PubMed 19602254 (cited by Labcorp Genetics (formerly Invitae), Labcorp); PubMed 25371412 (cited by Labcorp Genetics (formerly Invitae), Labcorp); PubMed 17576681 (cited by Labcorp Genetics (formerly Invitae), Labcorp); PubMed 9536098 (cited by Labcorp Genetics (formerly Invitae), Labcorp); PubMed 8707293 (cited by Labcorp Genetics (formerly Invitae), Labcorp).